The following is an entry in ClinVar:

ClinVar aggregate classification (germline): Uncertain significance (1 of 4 stars; one submission).

Conditions:
Developmental and epileptic encephalopathy, 33 (DEE33). Also called: Epileptic encephalopathy, early infantile, 33. Identifiers: Orphanet 442835, MedGen C4225337, MONDO:0014625, OMIM 616409.

Submission:

Labcorp Genetics (formerly Invitae), Labcorp
Classification: Uncertain significance for Developmental and epileptic encephalopathy, 33. Last evaluated: 2022-10-13. Review status: criteria provided, single submitter. Criteria: Invitae Variant Classification Sherloc (09022015). Collection method: clinical testing. Allele origin: germline.
Comment: This sequence change replaces valine, which is neutral and non-polar, with leucine, which is neutral and non-polar, at codon 278 of the EEF1A2 protein (p.Val278Leu). This variant is not present in population databases (gnomAD no frequency). This variant has not been reported in the literature in individuals affected with EEF1A2-related conditions. Advanced modeling of protein sequence and biophysical properties (such as structural, functional, and spatial information, amino acid conservation, physicochemical variation, residue mobility, and thermodynamic stability) performed at Invitae indicates that this missense variant is not expected to disrupt EEF1A2 protein function. In summary, the available evidence is currently insufficient to determine the role of this variant in disease. Therefore, it has been classified as a Variant of Uncertain Significance.

NM_001958.5(EEF1A2):c.832G>C (p.Val278Leu)

Gene: EEF1A2 (eukaryotic translation elongation factor 1 alpha 2; minus strand). Cytogenetic location: 20q13.33.
Variant type: single nucleotide variant.
Coding change: c.832G>C on transcript NM_001958.5 (MANE Select); coding-DNA position 832, G replaced by C.
Protein change: p.Val278Leu; replaces valine 278 with leucine.
Molecular consequence: missense variant.
Genome position (GRCh38, 1-based): chr20:63,490,676, C>G on the plus strand (G>C on the coding strand, the complement: EEF1A2 is on the minus strand). VCF-style: chr20-63490676-C-G. GRCh37 (hg19) VCF-style: chr20-62122029-C-G.
Other names: short protein forms V278L.
Identifiers: ClinVar variation 2140031 (VCV002140031.4), dbSNP rs1419812309, ClinGen allele CA409647908.